The following is an entry in ClinVar:

ClinVar aggregate classification (germline): Benign (1 of 4 stars; one submission).

Allele frequency attached by ClinVar (database versions not stated): 1000 Genomes Project 0.41054; 1000 Genomes Project 30x 0.41068; TOPMed 0.49803; gnomAD 0.51094 and 0.51232.
gnomAD v4.1: 78,233 of 152,090 alleles (51%); highest among the groups gnomAD compares: Non-Finnish European, 68%; 23,753 homozygotes.

Submission:

GeneDx
Classification: Benign. Last evaluated: 2018-06-14. Review status: criteria provided, single submitter. Criteria: GeneDx Variant Classification (06012015). Collection method: clinical testing. Allele origin: germline. Affected: yes.
Comment: This variant is considered likely benign or benign based on one or more of the following criteria: it is a conservative change, it occurs at a poorly conserved position in the protein, it is predicted to be benign by multiple in silico algorithms, and/or has population frequency not consistent with disease.

NM_001103.4(ACTN2):c.2367+210A>G

Gene: ACTN2 (actinin alpha 2; plus strand). Cytogenetic location: 1q43.
Variant type: single nucleotide variant.
Coding change: c.2367+210A>G on transcript NM_001103.4 (MANE Select); 210 bases into the intron after coding-DNA position 2367, A replaced by G.
Molecular consequence: intron variant.
Genome position (GRCh38, 1-based): chr1:236,759,999, A>G. VCF-style: chr1-236759999-A-G. GRCh37 (hg19) VCF-style: chr1-236923299-A-G.
Other names: c.1743+210A>G (NM_001278344.2); c.2367+210A>G (NM_001278343.2).
Identifiers: ClinVar variation 672011 (VCV000672011.1), dbSNP rs10925223, ClinGen allele CA10757089.